The following is an entry in ClinVar:

NM_001365088.1(SLC12A6):c.41G>A (p.Arg14Gln)

Gene: SLC12A6 (solute carrier family 12 member 6; minus strand). Cytogenetic location: 15q14.
Variant type: single nucleotide variant.
Coding change: c.41G>A on transcript NM_001365088.1 (MANE Select); coding-DNA position 41, G replaced by A.
Protein change: p.Arg14Gln; replaces arginine 14 with glutamine.
Molecular consequence: missense variant. On other transcripts: intron variant (2).
Genome position (GRCh38, 1-based): chr15:34,336,640, C>T on the plus strand (G>A on the coding strand, the complement: SLC12A6 is on the minus strand). VCF-style: chr15-34336640-C-T. GRCh37 (hg19) VCF-style: chr15-34628841-C-T.
Other names: c.14G>A, p.Arg5Gln (NM_001042496.2); c.41G>A, p.Arg14Gln (NM_001042497.2, NM_133647.2); c.-98-39G>A (NM_001042495.2, NM_001042494.2); short protein forms R5Q, R14Q.
Identifiers: ClinVar variation 2099084 (VCV002099084.4), dbSNP rs2510086663, ClinGen allele CA391621827.

ClinVar aggregate classification (germline): Uncertain significance (1 of 4 stars; one submission).

Allele frequency attached by ClinVar (database versions not stated): gnomAD exomes below 0.00001.

Submission:

Labcorp Genetics (formerly Invitae), Labcorp
Classification: Uncertain significance. Last evaluated: 2022-02-19. Review status: criteria provided, single submitter. Criteria: Invitae Variant Classification Sherloc (09022015). Collection method: clinical testing. Allele origin: germline.
Comment: This variant has not been reported in the literature in individuals affected with SLC12A6-related conditions. This variant is not present in population databases (gnomAD no frequency). This sequence change replaces arginine, which is basic and polar, with glutamine, which is neutral and polar, at codon 14 of the SLC12A6 protein (p.Arg14Gln). Algorithms developed to predict the effect of missense changes on protein structure and function are either unavailable or do not agree on the potential impact of this missense change (SIFT: "Tolerated"; PolyPhen-2: "Probably Damaging"; Align-GVGD: "Class C0"). In summary, the available evidence is currently insufficient to determine the role of this variant in disease. Therefore, it has been classified as a Variant of Uncertain Significance.